The following is an entry in ClinVar:

NM_001165963.4(SCN1A):c.4339-3T>A

Genes: SCN1A (sodium voltage-gated channel alpha subunit 1; minus strand), LOC102724058 (uncharacterized LOC102724058; plus strand). Cytogenetic location: 2q24.3.
Variant type: single nucleotide variant.
Coding change: c.4339-3T>A on transcript NM_001165963.4 (MANE Select); 3 bases into the intron before coding-DNA position 4339, T replaced by A.
Molecular consequence: intron variant.
Genome position (GRCh38, 1-based): chr2:165,998,178, A>T on the plus strand (T>A on the coding strand, the complement: SCN1A is on the minus strand). VCF-style: chr2-165998178-A-T. GRCh37 (hg19) VCF-style: chr2-166854688-A-T.
Other names: c.4306-3T>A (NM_001353949.2, NM_001353950.2, NM_001353951.2 and 2 more transcripts); c.4255-3T>A (NM_001353958.2, NM_001353957.2, NM_001165964.3); c.4339-3T>A (NM_001202435.3, NM_001353948.2); c.4303-3T>A (NM_001353955.2, NM_001353954.2); c.4252-3T>A (NM_001353960.2); c.1897-3T>A (NM_001353961.2).
Identifiers: ClinVar variation 1217008 (VCV001217008.3), dbSNP rs1467483299, ClinGen allele CA2499215189.

ClinVar aggregate classification (germline): Uncertain significance (1 of 4 stars; one submission).

Submission:

GeneDx
Classification: Uncertain significance. Last evaluated: 2018-12-31. Review status: criteria provided, single submitter. Criteria: GeneDx Variant Classification Process June 2021. Collection method: clinical testing. Allele origin: germline. Affected: yes.
Comment: Not observed in large population cohorts (Lek et al., 2016); In silico analysis, which includes splice predictors and evolutionary conservation, supports a deleterious effect; Has not been previously published as pathogenic or benign to our knowledge; In the absence of RNA/functional studies, the actual effect of this sequence change is unknown